The following is an entry in ClinVar:

NM_000701.8(ATP1A1):c.2951+1G>A

Genes: ATP1A1 (ATPase Na+/K+ transporting subunit alpha 1; plus strand), ATP1A1-AS1 (ATP1A1 antisense RNA 1; minus strand). Cytogenetic location: 1p13.1.
Variant type: single nucleotide variant.
Coding change: c.2951+1G>A on transcript NM_000701.8 (MANE Select); the canonical splice donor site of the intron after coding-DNA position 2951, G replaced by A.
Molecular consequence: splice donor variant.
Genome position (GRCh38, 1-based): chr1:116,401,656, G>A. VCF-style: chr1-116401656-G-A. GRCh37 (hg19) VCF-style: chr1-116944278-G-A.
Other names: c.2951+1G>A (NM_001160233.2); c.2858+1G>A (NM_001160234.2).
Identifiers: ClinVar variation 4857767 (VCV004857767.1).

ClinVar aggregate classification (germline): Likely pathogenic (0 of 4 stars; one submission).

Conditions:
Hypomagnesemia, seizures, and impaired intellectual development 2. Also called: Hypomagnesemia, seizures, and intellectual disability 2. Identifiers: MedGen C5193023, MONDO:0020788, OMIM 618314.

Submission:

Genetic Diagnosis Center, The First Hospital of Jilin University
Classification: Likely pathogenic for Hypomagnesemia, seizures, and impaired intellectual development 2. Last evaluated: 2026-07-06. Review status: no assertion criteria provided. Collection method: clinical testing. Allele origin: de novo. Inheritance: Autosomal dominant inheritance. Affected: yes.
Comment: The ATP1A1 c.2951+1G>A variant is located at the canonical donor splice site of intron 21. Minigene assay confirmed that this variant disrupts normal mRNA splicing, leading to three distinct aberrant splicing patterns: retention of a 39 bp fragment at the 5' end of intron 21, retention of a 29 bp fragment at the 5' end of intron 21, and skipping of exon 21, which meets the PVS1_Strong criterion. This variant is absent from public population databases (PM2_Supporting). Parental validation confirmed that both parents are negative for this variant; however, since the biological parental relationship cannot be definitively verified, the de novo occurrence is assigned as PM6_Supporting. According to ACMG/AMP 2015 guidelines, this variant is classified as Likely Pathogenic (LP).

Literature cited by the submitters: PubMed 32720330.